The following is an entry in ClinVar:

NM_024675.4(PALB2):c.170G>C (p.Cys57Ser)

Gene: PALB2 (partner and localizer of BRCA2; minus strand). Cytogenetic location: 16p12.2.
Variant type: single nucleotide variant.
Coding change: c.170G>C on transcript NM_024675.4 (MANE Select); coding-DNA position 170, G replaced by C.
Protein change: p.Cys57Ser; replaces cysteine 57 with serine.
Molecular consequence: missense variant.
Genome position (GRCh38, 1-based): chr16:23,637,891, C>G on the plus strand (G>C on the coding strand, the complement: PALB2 is on the minus strand). VCF-style: chr16-23637891-C-G. GRCh37 (hg19) VCF-style: chr16-23649212-C-G.
Other names: short protein forms C57S.
Identifiers: ClinVar variation 630448 (VCV000630448.4), dbSNP rs876660029, ClinGen allele CA395139130.

ClinVar aggregate classification (germline): Uncertain significance (1 of 4 stars; one submission).

Conditions:
Hereditary cancer-predisposing syndrome. Also called: Tumor predisposition; Neoplastic Syndromes, Hereditary; Hereditary neoplastic syndrome; Hereditary Cancer Syndrome. Identifiers: Orphanet 140162, MedGen C0027672, MeSH D009386, MONDO:0015356.

Submission:

Color Diagnostics, LLC DBA Color Health
Classification: Uncertain significance for Hereditary cancer-predisposing syndrome. Last evaluated: 2023-12-05. Review status: criteria provided, single submitter. Criteria: ACMG Guidelines, 2015. Collection method: clinical testing. Allele origin: germline.
Comment: This missense variant replaces cysteine with serine at codon 57 of the PALB2 protein. Computational prediction suggests that this variant may not impact protein structure and function (internally defined REVEL score threshold <= 0.5, PMID: 27666373). To our knowledge, functional studies have not been reported for this variant. This variant has not been reported in individuals affected with PALB2-related disorders in the literature. This variant has not been identified in the general population by the Genome Aggregation Database (gnomAD). The available evidence is insufficient to determine the role of this variant in disease conclusively. Therefore, this variant is classified as a Variant of Uncertain Significance.